The following is an entry in ClinVar:

ClinVar aggregate classification (germline): Uncertain significance (1 of 4 stars; one submission).

Submission:

Dasa
Classification: Uncertain significance. Last evaluated: 2026-06-25. Review status: criteria provided, single submitter. Criteria: DASA Assertion Criteria. Collection method: clinical testing. Allele origin: germline.
Comment: NM_001001344.3(ATP2B3):c.1597G>A (p.Gly533Ser) is a missense variant that results in the substitution of glycine with serine. This variant is rare in population databases. The currently available literature and clinical evidence are not sufficient to establish a definitive association between this variant and the reported condition. Therefore, this variant is classified as a variant of uncertain significance.

NM_001001344.3(ATP2B3):c.1597G>A (p.Gly533Ser)

Gene: ATP2B3 (ATPase plasma membrane Ca2+ transporting 3; plus strand). Cytogenetic location: Xq28.
Variant type: single nucleotide variant.
Coding change: c.1597G>A on transcript NM_001001344.3 (MANE Select); coding-DNA position 1597, G replaced by A.
Protein change: p.Gly533Ser; replaces glycine 533 with serine.
Molecular consequence: missense variant.
Genome position (GRCh38, 1-based): chrX:153,550,060, G>A. VCF-style: chrX-153550060-G-A. GRCh37 (hg19) VCF-style: chrX-152815518-G-A.
Other names: c.1597G>A, p.Gly533Ser (NM_001388360.1, NM_001388361.1, NM_001388362.1 and 1 more transcripts); c.1555G>A, p.Gly519Ser (NM_001410708.1); short protein forms G519S, G533S.
Identifiers: ClinVar variation 5020306 (VCV005020306.1).